The following is an entry in ClinVar:

ClinVar aggregate classification (germline): Uncertain significance (1 of 4 stars; one submission).

gnomAD v4.1: 1 of 1,613,788 alleles (0.000062%); highest among the groups gnomAD compares: Admixed American, 0.0017%; no homozygotes.

Submission:

GeneDx
Classification: Uncertain significance. Last evaluated: 2026-04-23. Review status: criteria provided, single submitter. Criteria: GeneDx Variant Classification Process June 2021. Collection method: clinical testing. Allele origin: germline.
Comment: Not observed at significant frequency in large population cohorts (gnomAD); In silico analysis suggests that this missense variant does not alter protein structure/function; Has not been previously published as pathogenic or benign to our knowledge

NM_001369.3(DNAH5):c.13384A>T (p.Ile4462Leu)

Gene: DNAH5 (dynein axonemal heavy chain 5; minus strand). Cytogenetic location: 5p15.2.
Variant type: single nucleotide variant.
Coding change: c.13384A>T on transcript NM_001369.3 (MANE Select); coding-DNA position 13384, A replaced by T.
Protein change: p.Ile4462Leu; replaces isoleucine 4462 with leucine.
Molecular consequence: missense variant.
Genome position (GRCh38, 1-based): chr5:13,701,391, T>A on the plus strand (A>T on the coding strand, the complement: DNAH5 is on the minus strand). VCF-style: chr5-13701391-T-A. GRCh37 (hg19) VCF-style: chr5-13701500-T-A.
Other names: short protein forms I4462L.
Identifiers: ClinVar variation 5037352 (VCV005037352.1).